The following is an entry in ClinVar:

NM_001042492.3(NF1):c.3151_3152del (p.Gly1051fs)

Gene: NF1 (neurofibromin 1; plus strand). Cytogenetic location: 17q11.2.
Variant type: Deletion.
Coding change: c.3151_3152del on transcript NM_001042492.3 (MANE Select); coding-DNA positions 3151 to 3152, 2 bases deleted (GG; older notation c.3151_3152delGG).
Protein change: p.Gly1051fs; shifts the reading frame from glycine 1051.
Molecular consequence: frameshift variant.
Genome position (GRCh38, 1-based): chr17:31,230,879-31,230,880, GG deleted; deleting any 2 consecutive bases within chr17:31,230,878-31,230,880 gives the same sequence; the c. name uses the placement nearest the transcript's 3' end. VCF-style (leftmost placement, unchanged base first): chr17-31230877-TGG-T. GRCh37 (hg19) VCF-style: chr17-29557895-TGG-T.
Other names: c.3151_3152delGG, p.Gly1051Asnfs (NM_000267.4); short protein forms G1051fs.
Identifiers: ClinVar variation 3722646 (VCV003722646.2).

ClinVar aggregate classification (germline): Pathogenic (1 of 4 stars; one submission).

Conditions:
Neurofibromatosis, type 1 (NF1). Also called: VON RECKLINGHAUSEN DISEASE; NEUROFIBROMATOSIS, TYPE I, SOMATIC; Peripheral type neurofibromatosis; Neurofibromatosis, type I. Identifiers: Orphanet 636, MedGen C0027831, MONDO:0018975, OMIM 162200. Disease mechanism: loss of function.

Submission:

Labcorp Genetics (formerly Invitae), Labcorp
Classification: Pathogenic for Neurofibromatosis, type 1. Last evaluated: 2025-01-25. Review status: criteria provided, single submitter. Criteria: Invitae Variant Classification Sherloc (09022015). Collection method: clinical testing. Allele origin: germline.
Comment: This sequence change creates a premature translational stop signal (p.Gly1051Asnfs*8) in the NF1 gene. It is expected to result in an absent or disrupted protein product. Loss-of-function variants in NF1 are known to be pathogenic (PMID: 10712197, 23913538). This variant is not present in population databases (gnomAD no frequency). This premature translational stop signal has been observed in individual(s) with neurofibromatosis, type 1 (PMID: 9783703). For these reasons, this variant has been classified as Pathogenic.

Literature cited by the submitters: PubMed 10712197; PubMed 23913538; PubMed 9783703.